The following is an entry in ClinVar:

NM_018191.4(RCBTB1):c.652A>T (p.Asn218Tyr)

Gene: RCBTB1 (RCC1 and BTB domain containing protein 1; minus strand). Cytogenetic location: 13q14.2.
Variant type: single nucleotide variant.
Coding change: c.652A>T on transcript NM_018191.4 (MANE Select); coding-DNA position 652, A replaced by T.
Protein change: p.Asn218Tyr; replaces asparagine 218 with tyrosine.
Molecular consequence: missense variant. On other transcripts: non-coding transcript variant (2).
Genome position (GRCh38, 1-based): chr13:49,552,237, T>A on the plus strand (A>T on the coding strand, the complement: RCBTB1 is on the minus strand). VCF-style: chr13-49552237-T-A. GRCh37 (hg19) VCF-style: chr13-50126373-T-A.
Other names: c.652A>T, p.Asn218Tyr (NM_001352500.2, NM_001352501.2, NM_001352502.2 and 3 more transcripts); c.73A>T, p.Asn25Tyr (NM_001352506.2); short protein forms N25Y, N218Y.
Identifiers: ClinVar variation 1944604 (VCV001944604.5), dbSNP rs1257364926, ClinGen allele CA388190921.

ClinVar aggregate classification (germline): Uncertain significance (1 of 4 stars; one submission).

Allele frequency attached by ClinVar (database versions not stated): gnomAD exomes below 0.00001; gnomAD 0.00001.
gnomAD v4.1: 3 of 1,603,126 alleles (0.00019%); highest among the groups gnomAD compares: Admixed American, 0.0051%; no homozygotes.

Submission:

Labcorp Genetics (formerly Invitae), Labcorp
Classification: Uncertain significance. Last evaluated: 2022-08-10. Review status: criteria provided, single submitter. Criteria: Invitae Variant Classification Sherloc (09022015). Collection method: clinical testing. Allele origin: germline.
Comment: This sequence change replaces asparagine, which is neutral and polar, with tyrosine, which is neutral and polar, at codon 218 of the RCBTB1 protein (p.Asn218Tyr). This variant is present in population databases (no rsID available, gnomAD 0.003%). This variant has not been reported in the literature in individuals affected with RCBTB1-related conditions. Algorithms developed to predict the effect of missense changes on protein structure and function are either unavailable or do not agree on the potential impact of this missense change (SIFT: "Deleterious"; PolyPhen-2: "Benign"; Align-GVGD: "Class C15"). In summary, the available evidence is currently insufficient to determine the role of this variant in disease. Therefore, it has been classified as a Variant of Uncertain Significance.